The following is an entry in ClinVar:

NM_003742.4(ABCB11):c.2477T>C (p.Leu826Pro)

Gene: ABCB11 (ATP binding cassette subfamily B member 11; minus strand). Cytogenetic location: 2q31.1.
Variant type: single nucleotide variant.
Coding change: c.2477T>C on transcript NM_003742.4 (MANE Select); coding-DNA position 2477, T replaced by C.
Protein change: p.Leu826Pro; replaces leucine 826 with proline.
Molecular consequence: missense variant.
Genome position (GRCh38, 1-based): chr2:168,944,738, A>G on the plus strand (T>C on the coding strand, the complement: ABCB11 is on the minus strand). VCF-style: chr2-168944738-A-G. GRCh37 (hg19) VCF-style: chr2-169801248-A-G.
Other names: short protein forms L826P.
Identifiers: ClinVar variation 3347280 (VCV003347280.1).

ClinVar aggregate classification (germline): Uncertain significance (0 of 4 stars; one submission).

Conditions:
ABCB11-related disorder. Also called: ABCB11-related condition.

gnomAD v4.1: 2 of 1,612,524 alleles (0.00012%); highest among the groups gnomAD compares: South Asian, 0.0011%; no homozygotes.

Submission:

PreventionGenetics, part of Exact Sciences
Classification: Uncertain significance for ABCB11-related condition. Last evaluated: 2024-05-29. Review status: no assertion criteria provided. Collection method: clinical testing. Allele origin: germline.
Comment: The ABCB11 c.2477T>C variant is predicted to result in the amino acid substitution p.Leu826Pro. To our knowledge, this variant has not been reported in the literature. This variant is reported in 0.0033% of alleles in individuals of South Asian descent in gnomAD. At this time, the clinical significance of this variant is uncertain due to the absence of conclusive functional and genetic evidence.